The following is an entry in ClinVar:

ClinVar aggregate classification (germline): Uncertain significance. Review status: criteria provided, multiple submitters, no conflicts (2 of 4 stars). 2 submissions from 2 submitters: Uncertain significance (2). Last evaluated 2024-06-24.

Conditions:
GM3 synthase deficiency (SPDRS). Also called: SALT AND PEPPER MENTAL RETARDATION SYNDROME; SALT AND PEPPER DEVELOPMENTAL REGRESSION SYNDROME; AMISH INFANTILE EPILEPSY SYNDROME. Identifiers: Orphanet 171714, Orphanet 370933, MedGen C1836824, MONDO:0018274, OMIM 609056.

Allele frequency attached by ClinVar (database versions not stated): TOPMed 0.00001.
gnomAD v4.1: 15 of 1,614,176 alleles (0.00093%); highest among the groups gnomAD compares: Middle Eastern, 0.016%; no homozygotes.

Submissions (2):

Labcorp Genetics (formerly Invitae), Labcorp
Classification: Uncertain significance for GM3 synthase deficiency. Last evaluated: 2024-06-24. Review status: criteria provided, single submitter. Criteria: Invitae Variant Classification Sherloc (09022015). Collection method: clinical testing. Allele origin: germline.
Comment: This sequence change replaces arginine, which is basic and polar, with histidine, which is basic and polar, at codon 416 of the ST3GAL5 protein (p.Arg416His). This variant is present in population databases (rs200683924, gnomAD 0.004%). This variant has not been reported in the literature in individuals affected with ST3GAL5-related conditions. ClinVar contains an entry for this variant (Variation ID: 649422). An algorithm developed to predict the effect of missense changes on protein structure and function (PolyPhen-2) suggests that this variant¬†is likely to be tolerated. In summary, the available evidence is currently insufficient to determine the role of this variant in disease. Therefore, it has been classified as a Variant of Uncertain Significance.

New York Genome Center
Classification: Uncertain significance for GM3 synthase deficiency. Last evaluated: 2022-02-25. Review status: criteria provided, single submitter. Criteria: NYGC Assertion Criteria 2020. Collection method: clinical testing. Allele origin: germline. Observed: 1 heterozygote. Study: CSER-NYCKidSeq.

NM_003896.4(ST3GAL5):c.1247G>A (p.Arg416His)

Gene: ST3GAL5 (ST3 beta-galactoside alpha-2,3-sialyltransferase 5; minus strand). Cytogenetic location: 2p11.2.
Variant type: single nucleotide variant.
Coding change: c.1247G>A on transcript NM_003896.4 (MANE Select); coding-DNA position 1247, G replaced by A.
Protein change: p.Arg416His; replaces arginine 416 with histidine.
Molecular consequence: missense variant.
Genome position (GRCh38, 1-based): chr2:85,840,154, C>T on the plus strand (G>A on the coding strand, the complement: ST3GAL5 is on the minus strand). VCF-style: chr2-85840154-C-T. GRCh37 (hg19) VCF-style: chr2-86067277-C-T.
Other names: c.1178G>A, p.Arg393His (NM_001042437.2); c.863G>A, p.Arg288His (NM_001354223.2, NM_001354224.2, NM_001354226.2 and 3 more transcripts); c.1163G>A, p.Arg388His (NM_001354227.2, NM_001354229.2, NM_001354238.1); c.524G>A, p.Arg175His (NM_001354247.1); c.1088G>A, p.Arg363His (NM_001363847.1); short protein forms R175H, R288H, R363H, R388H, R393H, R416H.
Identifiers: ClinVar variation 649422 (VCV000649422.11), dbSNP rs200683924, ClinGen allele CA1744862.